The following is an entry in ClinVar:

ClinVar aggregate classification (germline): Uncertain significance (1 of 4 stars; one submission).

Allele frequency attached by ClinVar (database versions not stated): TOPMed below 0.00001; gnomAD exomes 0.00001.
gnomAD v4.1: 10 of 1,613,942 alleles (0.00062%); highest among the groups gnomAD compares: South Asian, 0.0011%; no homozygotes.

Submission:

Labcorp Genetics (formerly Invitae), Labcorp
Classification: Uncertain significance. Last evaluated: 2022-07-12. Review status: criteria provided, single submitter. Criteria: Invitae Variant Classification Sherloc (09022015). Collection method: clinical testing. Allele origin: germline.
Comment: This sequence change falls in intron 4 of the GNPTG gene. It does not directly change the encoded amino acid sequence of the GNPTG protein. It affects a nucleotide within the consensus splice site. This variant is present in population databases (rs201566045, gnomAD 0.002%). This variant has not been reported in the literature in individuals affected with GNPTG-related conditions. ClinVar contains an entry for this variant (Variation ID: 1431053). Variants that disrupt the consensus splice site are a relatively common cause of aberrant splicing (PMID: 17576681, 9536098). Algorithms developed to predict the effect of sequence changes on RNA splicing suggest that this variant is not likely to affect RNA splicing. In summary, the available evidence is currently insufficient to determine the role of this variant in disease. Therefore, it has been classified as a Variant of Uncertain Significance.

Literature cited by the submitters: PubMed 17576681; PubMed 9536098.

NM_032520.5(GNPTG):c.233+3G>A

Gene: GNPTG (N-acetylglucosamine-1-phosphate transferase subunit gamma; plus strand). Cytogenetic location: 16p13.3.
Variant type: single nucleotide variant.
Coding change: c.233+3G>A on transcript NM_032520.5 (MANE Select); 3 bases into the intron after coding-DNA position 233, G replaced by A.
Molecular consequence: intron variant.
Genome position (GRCh38, 1-based): chr16:1,361,800, G>A. VCF-style: chr16-1361800-G-A. GRCh37 (hg19) VCF-style: chr16-1411801-G-A.
Identifiers: ClinVar variation 1431053 (VCV001431053.3), dbSNP rs201566045, ClinGen allele CA276656273.